The following is an entry in ClinVar:

NM_022124.6(CDH23):c.1515G>A (p.Arg505=)

Gene: CDH23 (cadherin related 23; plus strand). Cytogenetic location: 10q22.1.
Variant type: single nucleotide variant.
Coding change: c.1515G>A on transcript NM_022124.6 (MANE Select); coding-DNA position 1515, G replaced by A.
Protein change: p.Arg505=; no amino-acid change (arginine 505 retained).
Molecular consequence: synonymous variant.
Genome position (GRCh38, 1-based): chr10:71,677,456, G>A. VCF-style: chr10-71677456-G-A. GRCh37 (hg19) VCF-style: chr10-73437213-G-A.
Other names: c.1515G>A, p.Arg505= (NM_001171930.2, NM_001171931.2).
Identifiers: ClinVar variation 1879135 (VCV001879135.29), dbSNP rs372936335, ClinGen allele CA5543880.

ClinVar aggregate classification (germline): Likely benign (1 of 4 stars; one submission).

Allele frequency attached by ClinVar (database versions not stated): gnomAD 0.00001; TOPMed 0.00001; ExAC 0.00002; ESP Exome Variant Server 0.00008.
gnomAD v4.1: 15 of 1,603,004 alleles (0.00094%); highest among the groups gnomAD compares: African/African-American, 0.0013%; no homozygotes.

Submission:

CeGaT Center for Human Genetics Tuebingen
Classification: Likely benign. Last evaluated: 2022-11-01. Review status: criteria provided, single submitter. Criteria: CeGaT Center For Human Genetics Tuebingen Variant Classification Criteria Version 2. Collection method: clinical testing. Allele origin: germline. Affected: yes. Observed: 1 variant allele.
Comment: CDH23: BP4, BP7